The following is an entry in ClinVar:

NM_004168.4(SDHA):c.727T>C (p.Ser243Pro)

Gene: SDHA (succinate dehydrogenase complex flavoprotein subunit A; plus strand). Cytogenetic location: 5p15.33.
Variant type: single nucleotide variant.
Coding change: c.727T>C on transcript NM_004168.4 (MANE Select); coding-DNA position 727, T replaced by C.
Protein change: p.Ser243Pro; replaces serine 243 with proline.
Molecular consequence: missense variant.
Genome position (GRCh38, 1-based): chr5:228,290, T>C. VCF-style: chr5-228290-T-C. GRCh37 (hg19) VCF-style: chr5-228405-T-C.
Other names: c.583T>C, p.Ser195Pro (NM_001294332.2); c.727T>C, p.Ser243Pro (NM_001330758.2); short protein forms S195P, S243P.
Identifiers: ClinVar variation 2947835 (VCV002947835.3), dbSNP rs2126559018, ClinGen allele CA359011094.

ClinVar aggregate classification (germline): Uncertain significance (1 of 4 stars; one submission).

Conditions:
Mitochondrial complex II deficiency, nuclear type 1. Also called: SUCCINATE CoQ REDUCTASE DEFICIENCY. Identifiers: Orphanet 3208, MedGen C5700310, MONDO:0100294, OMIM 252011.
Pheochromocytoma/paraganglioma syndrome 5. Also called: Paragangliomas 5; SDHA-Related Hereditary Paraganglioma-Pheochromocytoma Syndrome. Identifiers: Orphanet 29072, MedGen C3279992, MONDO:0013602, OMIM 614165.

Allele frequency attached by ClinVar (database versions not stated): gnomAD exomes below 0.00001.
gnomAD v4.1: 1 of 1,613,806 alleles (0.000062%); highest among the groups gnomAD compares: Non-Finnish European, 0.000085%; no homozygotes.

Submission:

Labcorp Genetics (formerly Invitae), Labcorp
Classification: Uncertain significance for Pheochromocytoma/paraganglioma syndrome 5; Mitochondrial complex II deficiency, nuclear type 1. Last evaluated: 2023-05-16. Review status: criteria provided, single submitter. Criteria: Invitae Variant Classification Sherloc (09022015). Collection method: clinical testing. Allele origin: germline.
Comment: In summary, the available evidence is currently insufficient to determine the role of this variant in disease. Therefore, it has been classified as a Variant of Uncertain Significance. Advanced modeling of protein sequence and biophysical properties (such as structural, functional, and spatial information, amino acid conservation, physicochemical variation, residue mobility, and thermodynamic stability) performed at Invitae indicates that this missense variant is not expected to disrupt SDHA protein function. This variant has not been reported in the literature in individuals affected with SDHA-related conditions. This variant is not present in population databases (gnomAD no frequency). This sequence change replaces serine, which is neutral and polar, with proline, which is neutral and non-polar, at codon 243 of the SDHA protein (p.Ser243Pro).